The following is an entry in ClinVar:

NM_003482.4(KMT2D):c.6209C>T (p.Ala2070Val)

Gene: KMT2D (lysine methyltransferase 2D; minus strand). Cytogenetic location: 12q13.12.
Variant type: single nucleotide variant.
Coding change: c.6209C>T on transcript NM_003482.4 (MANE Select); coding-DNA position 6209, C replaced by T.
Protein change: p.Ala2070Val; replaces alanine 2070 with valine.
Molecular consequence: missense variant.
Genome position (GRCh38, 1-based): chr12:49,041,680, G>A on the plus strand (C>T on the coding strand, the complement: KMT2D is on the minus strand). VCF-style: chr12-49041680-G-A. GRCh37 (hg19) VCF-style: chr12-49435463-G-A.
Other names: short protein forms A2070V.
Identifiers: ClinVar variation 2194643 (VCV002194643.6), dbSNP rs747546549, ClinGen allele CA6547334.

ClinVar aggregate classification (germline): Conflicting classifications of pathogenicity. Review status: criteria provided, conflicting classifications (1 of 4 stars). 3 submissions from 3 submitters: Uncertain significance (2); Likely benign (1). Last evaluated 2024-12-24.

Conditions:
Choanal atresia-athelia-hypothyroidism-delayed puberty-short stature syndrome (BCAHH). Also called: BRANCHIAL ARCH ABNORMALITIES, CHOANAL ATRESIA, ATHELIA, HEARING LOSS, AND HYPOTHYROIDISM SYNDROME. Identifiers: Orphanet 589856, MedGen C5680310, MONDO:0035651, OMIM 620186.
Kabuki syndrome 1 (KABUK1). Also called: KMT2D-Related Kabuki Syndrome. Identifiers: Orphanet 2322, MedGen CN030661, MONDO:0007843, OMIM 147920.
Kabuki syndrome. Also called: Kabuki make-up syndrome; NIIKAWA-KUROKI SYNDROME. Identifiers: Orphanet 2322, MedGen C0796004, MONDO:0016512.

Allele frequency attached by ClinVar (database versions not stated): gnomAD exomes below 0.00001; ExAC 0.00001; gnomAD 0.00001; TOPMed 0.00001.
gnomAD v4.1: 3 of 1,612,640 alleles (0.00019%); highest among the groups gnomAD compares: African/African-American, 0.004%; no homozygotes.

Submissions (3):

Labcorp Genetics (formerly Invitae), Labcorp
Classification: Likely benign for Kabuki syndrome. Last evaluated: 2024-12-24. Review status: criteria provided, single submitter. Criteria: Invitae Variant Classification Sherloc (09022015). Collection method: clinical testing. Allele origin: germline.

Fulgent Genetics
Classification: Uncertain significance for Kabuki syndrome 1; Choanal atresia-athelia-hypothyroidism-delayed puberty-short stature syndrome. Last evaluated: 2024-03-04. Review status: criteria provided, single submitter. Criteria: ACMG Guidelines, 2015. Collection method: clinical testing. Allele origin: germline.

GeneDx
Classification: Uncertain significance. Last evaluated: 2022-10-12. Review status: criteria provided, single submitter. Criteria: GeneDx Variant Classification Process June 2021. Collection method: clinical testing. Allele origin: germline. Affected: yes.
Comment: In silico analysis supports that this missense variant has a deleterious effect on protein structure/function; Has not been previously published as pathogenic or benign to our knowledge